The following is an entry in ClinVar:

NM_014467.3(SRPX2):c.277C>T (p.Arg93Trp)

Gene: SRPX2 (sushi repeat containing protein X-linked 2; plus strand). Cytogenetic location: Xq22.1.
Variant type: single nucleotide variant.
Coding change: c.277C>T on transcript NM_014467.3 (MANE Select); coding-DNA position 277, C replaced by T.
Protein change: p.Arg93Trp; replaces arginine 93 with tryptophan.
Molecular consequence: missense variant.
Genome position (GRCh38, 1-based): chrX:100,662,289, C>T. VCF-style: chrX-100662289-C-T. GRCh37 (hg19) VCF-style: chrX-99917286-C-T.
Other names: p.R93W:CGG>TGG; short protein forms R93W.
Identifiers: ClinVar variation 207390 (VCV000207390.2), dbSNP rs796053342, ClinGen allele CA318806.

ClinVar aggregate classification (germline): Uncertain significance (1 of 4 stars; one submission).

Allele frequency attached by ClinVar (database versions not stated): gnomAD exomes below 0.00001; gnomAD 0.00001; TOPMed 0.00002.

Submission:

GeneDx
Classification: Uncertain significance. Last evaluated: 2014-06-03. Review status: criteria provided, single submitter. Criteria: GeneDx Variant Classification (06012015). Collection method: clinical testing. Allele origin: germline. Affected: yes.
Comment: p.Arg93Trp (CGG>TGG): c.277 C>T in exon 4 of the SRPX2 gene (NM_014467.2) A variant of unknown significance has been identified in the SRPX2 gene. The R93W variant has not been published as a mutation, nor has it been reported as a benign polymorphism to our knowledge. It was not observed in approximately 6,500 individuals of European and African American ancestry in the NHLBI Exome Sequencing Project, indicating it is not a common benign variant in these populations. The R93W variant is a non-conservative amino acid substitution, which is likely to impact secondary protein structure as these residues differ in polarity, charge, size and/or other properties. In silico analysis predicts this variant is probably damaging to the protein structure/function. This substitution occurs at a conserved position; however, Glutamine is observed in three distantly related species in evolution. Additionally, missense mutations in nearby residues have not been reported. Therefore, based on the currently available information, it is unclear whether this variant is a pathogenic mutation or a rare benign variant. The variant is found in EPILEPSY panel(s).